The following is an entry in ClinVar:

ClinVar aggregate classification (germline): Pathogenic. Review status: criteria provided, multiple submitters, no conflicts (2 of 4 stars). 3 submissions from 3 submitters: Pathogenic (3). Last evaluated 2026-03-13.

Conditions:
Lysosomal storage disease. Also called: Lysosomal storage disorder. Identifiers: Orphanet 68366, MedGen C0085078, MONDO:0002561.
Sialidosis type 2. Also called: GLYCOPROTEIN NEURAMINIDASE DEFICIENCY; LIPOMUCOPOLYSACCHARIDOSIS; ML I; NEU DEFICIENCY; NEUG DEFICIENCY; NEURAMINIDASE 1 DEFICIENCY. Identifiers: Orphanet 812, Orphanet 87876, MedGen C4282398, MONDO:0009738, OMIM 256550.

Allele frequency attached by ClinVar (database versions not stated): gnomAD exomes below 0.00001; TOPMed 0.00001.

Submissions (3):

Genetics Laboratory, Great Ormond Street Hospital NHS Foundation Trust, North Thames Genomic Laboratory Hub
Classification: Pathogenic for Lysosomal storage disorder. Last evaluated: 2026-03-13. Review status: criteria provided, single submitter. Criteria: ACGS Best Practice Guidelines for Variant Classification in Rare Disease 2024 v1.2. Collection method: clinical testing. Allele origin: germline. Affected: yes.
Comment: PM2_moderate, PP3_supporting, PS3_moderate, PM1_moderate, PM3_moderate, PP4_strong

Labcorp Genetics (formerly Invitae), Labcorp
Classification: Pathogenic. Last evaluated: 2025-07-16. Review status: criteria provided, single submitter. Criteria: Invitae Variant Classification Sherloc (09022015). Collection method: clinical testing. Allele origin: germline.
Comment: This sequence change replaces tyrosine, which is neutral and polar, with cysteine, which is neutral and slightly polar, at codon 370 of the NEU1 protein (p.Tyr370Cys). This variant is present in population databases (no rsID available, gnomAD 0.003%). This missense change has been observed in individual(s) with sialidosis (PMID: 11063730, 34421504). It has also been observed to segregate with disease in related individuals. This variant is also known as c.1107A>G. ClinVar contains an entry for this variant (Variation ID: 986732). Invitae Evidence Modeling of protein sequence and biophysical properties (such as structural, functional, and spatial information, amino acid conservation, physicochemical variation, residue mobility, and thermodynamic stability) indicates that this missense variant is expected to disrupt NEU1 protein function with a positive predictive value of 80%. Experimental studies have shown that this missense change affects NEU1 function (PMID: 11063730). For these reasons, this variant has been classified as Pathogenic.

Laboratorio de Citogenómica y Microarreglos, Universidad Autonoma de Nuevo Leon
Classification: Pathogenic for Sialidosis type 2. Last evaluated: 2020-11-17. Review status: criteria provided, single submitter. Criteria: ACMG Guidelines, 2015. Collection method: research. Allele origin: inherited. Inheritance: Autosomal recessive inheritance. Affected: yes. Observed: 2 variant alleles, 2 homozygotes. Clinical features observed: Sialidosis.
Comment: As previously predicted, the Y370C variant alters the tridimensional structure of the active site of the enzyme, eliminating the benzyl ring and hydroxyl group of this well-preserved amino acid residue. This tyrosine residue stabilizes the transition of a carbonium ion intermediate during catalysis. The crystal structure of a bacterial sialidase (from Salmonella typhimurium LT2) shows the same fold as an influenza virus neuraminidase [Crennell et al., 1993] and its loss leads to an unactive enzyme that still localizes to the lysosome [Bonten et al., 2000]. In our in silico analysis, which was generated based on the crystal structure of the Streptococcus pneumoniae neuraminidase (access no. 2w20) and where both the energy minimization and structure fitting were achieved using the Swiss-model software suite [Guex et al., 2009; Artimo P et al., 2012], we show that the Y370C substitution introduces a side chain incapable of reaching into the active site pocket formed by well-conserved arginine (R76, R278 and R339) and glutamate (E392 and E262) residues, thus leading to the inability of the cysteine residue to stabilize the transition state of the substrate. This leads to a suppression of the catalytic activity of the Y370C mutant product [Bonten et al. 2000]. This variant was also reported in two other sialidosis patients.

Literature cited by the submitters: PubMed 11063730 (cited by Labcorp Genetics (formerly Invitae), Labcorp and Laboratorio de Citogenómica y Microarreglos, Universidad Autonoma de Nuevo Leon); PubMed 34421504 (cited by Labcorp Genetics (formerly Invitae), Labcorp).

NM_000434.4(NEU1):c.1109A>G (p.Tyr370Cys)

Gene: NEU1 (neuraminidase 1; minus strand). Cytogenetic location: 6p21.33.
Variant type: single nucleotide variant.
Coding change: c.1109A>G on transcript NM_000434.4 (MANE Select); coding-DNA position 1109, A replaced by G.
Protein change: p.Tyr370Cys; replaces tyrosine 370 with cysteine.
Molecular consequence: missense variant.
Genome position (GRCh38, 1-based): chr6:31,859,858, T>C on the plus strand (A>G on the coding strand, the complement: NEU1 is on the minus strand). VCF-style: chr6-31859858-T-C. GRCh37 (hg19) VCF-style: chr6-31827635-T-C.
Other names: short protein forms Y370C.
Identifiers: ClinVar variation 986732 (VCV000986732.8), dbSNP rs1310267862, ClinGen allele CA363485374.